The following is an entry in ClinVar:

ClinVar aggregate classification (germline): Uncertain significance (1 of 4 stars; one submission).

gnomAD v4.1: 1 of 1,613,980 alleles (0.000062%); highest among the groups gnomAD compares: Non-Finnish European, 0.000085%; no homozygotes.

Submission:

Women's Health and Genetics/Laboratory Corporation of America, LabCorp
Classification: Uncertain significance. Last evaluated: 2026-06-05. Review status: criteria provided, single submitter. Criteria: LabCorp Variant Classification Summary - May 2015. Collection method: clinical testing. Allele origin: germline.
Comment: Variant summary: GALNS c.424C>T (p.His142Tyr) results in a conservative amino acid change in the encoded protein sequence. Algorithms developed to predict the effect of missense changes on protein structure and function are either unavailable or do not agree on the potential impact of this missense change. Consensus agreement among computation tools predict no significant impact on normal splicing. However, these predictions have yet to be confirmed by functional studies. The variant was absent in 250976 control chromosomes (gnomAD). To our knowledge, no occurrence of c.424C>T in individuals affected with GALNS-related conditions and no experimental evidence demonstrating its impact on protein function have been reported. Two different variants affecting the same codon has been classified as likely pathogenic by our lab (c.425A>C, p.His142Pro; c.425A>T, p.His142Leu), supporting the critical relevance of codon 142 to GALNS protein function. No submitters have cited clinical-significance assessments for this variant to ClinVar. Based on the evidence outlined above, the variant was classified as VUS-possibly pathogenic.

NM_000512.5(GALNS):c.424C>T (p.His142Tyr)

Gene: GALNS (galactosamine (N-acetyl)-6-sulfatase; minus strand). Cytogenetic location: 16q24.3.
Variant type: single nucleotide variant.
Coding change: c.424C>T on transcript NM_000512.5 (MANE Select); coding-DNA position 424, C replaced by T.
Protein change: p.His142Tyr; replaces histidine 142 with tyrosine.
Molecular consequence: missense variant. On other transcripts: 5 prime UTR variant (1).
Genome position (GRCh38, 1-based): chr16:88,837,764, G>A on the plus strand (C>T on the coding strand, the complement: GALNS is on the minus strand). VCF-style: chr16-88837764-G-A. GRCh37 (hg19) VCF-style: chr16-88904172-G-A.
Other names: c.-132C>T (NM_001323543.2); c.442C>T, p.His148Tyr (NM_001323544.2); short protein forms H142Y, H148Y.
Identifiers: ClinVar variation 4887472 (VCV004887472.1).
Genomic context (GRCh38, chr16:88,837,764, plus strand): 5'-ATCCAAACCACTCATCAAATCCGTGCTTCAGGGGGTGGAACTGGGGCCTGTGACCCAGAT[G>A]CCTGGAAACAGGAACCCAGGACACTTCAGGGACCCCACGTGGGGACACTCGGAAGTTCTG-3'
Protein context (NP_000503.1, residues 132-152): GYVSKIVGKW[His142Tyr]LGHRPQFHPL